The following is an entry in ClinVar:

ClinVar aggregate classification (germline): Pathogenic (1 of 4 stars; one submission).

Conditions:
Pheochromocytoma. Also called: MAX-Related Hereditary Paraganglioma-Pheochromocytoma Syndrome. Identifiers: Orphanet 29072, MedGen C0031511, MONDO:0008233, OMIM 171300, HP:0002666.
Carney-Stratakis syndrome. Also called: PARAGANGLIOMA AND GASTROINTESTINAL STROMAL TUMOR. Identifiers: Orphanet 97286, MedGen C1847319, MONDO:0011740, OMIM 606864.
Paragangliomas with sensorineural hearing loss. Identifiers: MedGen C1868633.
Cowden syndrome 3 (CWS3). Identifiers: Orphanet 201, MedGen CN166604, MONDO:0014045.

Submission:

Labcorp Genetics (formerly Invitae), Labcorp
Classification: Pathogenic for Carney-Stratakis syndrome; Paragangliomas with sensorineural hearing loss; Pheochromocytoma; Cowden syndrome 3. Last evaluated: 2024-06-05. Review status: criteria provided, single submitter. Criteria: Invitae Variant Classification Sherloc (09022015). Collection method: clinical testing. Allele origin: germline.
Comment: This sequence change creates a premature translational stop signal (p.Glu69Argfs*45) in the SDHD gene. While this is not anticipated to result in nonsense mediated decay, it is expected to disrupt the last 91 amino acid(s) of the SDHD protein. This variant is not present in population databases (gnomAD no frequency). This variant has not been reported in the literature in individuals affected with SDHD-related conditions. This variant disrupts a region of the SDHD protein in which other variant(s) (p.Ser132Glnfs*3) have been determined to be pathogenic (PMID: 18551016). This suggests that this is a clinically significant region of the protein, and that variants that disrupt it are likely to be disease-causing. For these reasons, this variant has been classified as Pathogenic.

Literature cited by the submitters: PubMed 18551016.

NM_003002.4(SDHD):c.204dup (p.Glu69fs)

Gene: SDHD (succinate dehydrogenase complex subunit D; plus strand). Cytogenetic location: 11q23.1.
Variant type: Duplication.
Coding change: c.204dup on transcript NM_003002.4 (MANE Select); coding-DNA position 204, one base duplicated (C; older notation c.204dupC).
Protein change: p.Glu69fs; shifts the reading frame from glutamic acid 69.
Molecular consequence: frameshift variant. On other transcripts: non-coding transcript variant (1), intron variant (1).
Genome position (GRCh38, 1-based): chr11:112,088,901, C duplicated. VCF-style (leftmost placement, unchanged base first): chr11-112088900-G-GC. GRCh37 (hg19) VCF-style: chr11-111959624-G-GC.
Other names: c.87dup, p.Glu30fs (NM_001276504.2); c.204dup, p.Glu69fs (NM_001276506.2); c.169+928dup (NM_001276503.2); short protein forms E30fs, E69fs.
Identifiers: ClinVar variation 3756694 (VCV003756694.2).
Genomic context (GRCh38, chr11:112,088,900, plus strand): 5'-CTTTTATGAATCTGGTCCTTTTTGTAGCTGGCTCCAAGGCTGCATCTCTCCACTGGACTA[G>GC]CGAGAGGGTTGTCAGTGTTTTGCTCCTGGGTCTGCTTCCGGCTGCTTATTTGAATCCTTG-3'